The following is an entry in ClinVar:

NM_144687.4(NLRP12):c.2042C>A (p.Ser681Tyr)

Gene: NLRP12 (NLR family pyrin domain containing 12; minus strand). Cytogenetic location: 19q13.42.
Variant type: single nucleotide variant.
Coding change: c.2042C>A on transcript NM_144687.4 (MANE Select); coding-DNA position 2042, C replaced by A.
Protein change: p.Ser681Tyr; replaces serine 681 with tyrosine.
Molecular consequence: missense variant.
Genome position (GRCh38, 1-based): chr19:53,809,617, G>T on the plus strand (C>A on the coding strand, the complement: NLRP12 is on the minus strand). VCF-style: chr19-53809617-G-T. GRCh37 (hg19) VCF-style: chr19-54312871-G-T.
Other names: c.2042C>A, p.Ser681Tyr (NM_001277126.2, NM_001277129.1); short protein forms S681Y.
Identifiers: ClinVar variation 938800 (VCV000938800.9), dbSNP rs771927948, ClinGen allele CA9639285.

ClinVar aggregate classification (germline): Uncertain significance (1 of 4 stars; one submission).

Conditions:
Familial cold autoinflammatory syndrome 2 (FCAS2). Identifiers: Orphanet 247868, MedGen C2673198, MONDO:0012724, OMIM 611762.

Allele frequency attached by ClinVar (database versions not stated): gnomAD exomes below 0.00001 and 0.00001; ExAC 0.00001.
gnomAD v4.1: 2 of 1,613,096 alleles (0.00012%); highest among the groups gnomAD compares: Admixed American, 0.0033%; no homozygotes.

Submission:

Labcorp Genetics (formerly Invitae), Labcorp
Classification: Uncertain significance for Familial cold autoinflammatory syndrome 2. Last evaluated: 2022-11-14. Review status: criteria provided, single submitter. Criteria: Invitae Variant Classification Sherloc (09022015). Collection method: clinical testing. Allele origin: germline.
Comment: This sequence change replaces serine, which is neutral and polar, with tyrosine, which is neutral and polar, at codon 681 of the NLRP12 protein (p.Ser681Tyr). This variant is present in population databases (rs771927948, gnomAD 0.006%). This variant has not been reported in the literature in individuals affected with NLRP12-related conditions. ClinVar contains an entry for this variant (Variation ID: 938800). Algorithms developed to predict the effect of missense changes on protein structure and function are either unavailable or do not agree on the potential impact of this missense change (SIFT: "Deleterious"; PolyPhen-2: "Benign"; Align-GVGD: "Class C0"). In summary, the available evidence is currently insufficient to determine the role of this variant in disease. Therefore, it has been classified as a Variant of Uncertain Significance.